The following is an entry in ClinVar:

ClinVar aggregate classification (germline): Uncertain significance. Review status: criteria provided, multiple submitters, no conflicts (2 of 4 stars). 3 submissions from 3 submitters: Uncertain significance (2). 1 of the submissions does not count toward it. Last evaluated 2025-06-16.

Conditions:
BBS9-related disorder. Also called: BBS9-related condition.
Bardet-Biedl syndrome (BBS). Identifiers: Orphanet 110, MedGen C0752166, MONDO:0015229.
Inborn genetic diseases. Identifiers: MedGen C0950123, MeSH D030342.

Allele frequency attached by ClinVar (database versions not stated): gnomAD exomes below 0.00001; TOPMed below 0.00001; gnomAD 0.00001.
gnomAD v4.1: 8 of 1,614,026 alleles (0.0005%); highest among the groups gnomAD compares: Non-Finnish European, 0.00059%; no homozygotes.

Submissions (3):

Ambry Genetics
Classification: Uncertain significance for Inborn genetic diseases. Last evaluated: 2025-06-16. Review status: criteria provided, single submitter. Criteria: Ambry Variant Classification Scheme 2023. Collection method: clinical testing. Allele origin: germline.

Labcorp Genetics (formerly Invitae), Labcorp
Classification: Uncertain significance for Bardet-Biedl syndrome. Last evaluated: 2020-03-24. Review status: criteria provided, single submitter. Criteria: Invitae Variant Classification Sherloc (09022015). Collection method: clinical testing. Allele origin: germline.
Comment: This variant is not present in population databases (ExAC no frequency). This sequence change replaces lysine with glutamic acid at codon 17 of the BBS9 protein (p.Lys17Glu). The lysine residue is highly conserved and there is a small physicochemical difference between lysine and glutamic acid. This variant has not been reported in the literature in individuals with BBS9-related conditions. In summary, the available evidence is currently insufficient to determine the role of this variant in disease. Therefore, it has been classified as a Variant of Uncertain Significance. Algorithms developed to predict the effect of missense changes on protein structure and function output the following: SIFT: "Deleterious"; PolyPhen-2: "Benign"; Align-GVGD: "Class C55". The glutamic acid amino acid residue is found in multiple mammalian species, suggesting that this missense change does not adversely affect protein function. These predictions have not been confirmed by published functional studies and their clinical significance is uncertain.

PreventionGenetics, part of Exact Sciences
Classification: Uncertain significance for BBS9-related condition. Last evaluated: 2024-06-28. Review status: no assertion criteria provided. Collection method: clinical testing. Allele origin: germline. Not counted in ClinVar's aggregate classification.
Comment: The BBS9 c.49A>G variant is predicted to result in the amino acid substitution p.Lys17Glu. To our knowledge, this variant has not been reported in the literature. This variant is reported in 0.0015% of alleles in individuals of European (Non-Finnish) descent in gnomAD. At this time, the clinical significance of this variant is uncertain due to the absence of conclusive functional and genetic evidence.

NM_198428.3(BBS9):c.49A>G (p.Lys17Glu)

Gene: BBS9 (Bardet-Biedl syndrome 9; plus strand). Cytogenetic location: 7p14.3.
Variant type: single nucleotide variant.
Coding change: c.49A>G on transcript NM_198428.3 (MANE Select); coding-DNA position 49, A replaced by G.
Protein change: p.Lys17Glu; replaces lysine 17 with glutamic acid.
Molecular consequence: missense variant. On other transcripts: 5 prime UTR variant (3), non-coding transcript variant (3), intron variant (4).
Genome position (GRCh38, 1-based): chr7:33,146,301, A>G. VCF-style: chr7-33146301-A-G. GRCh37 (hg19) VCF-style: chr7-33185913-A-G.
Other names: c.49A>G, p.Lys17Glu (NM_001033604.2, NM_001033605.2, NM_001348036.1 and 5 more transcripts); c.-253A>G (NM_001348037.3); c.-229A>G (NM_001348038.3, NM_001348039.3); c.-23-6400A>G (NM_001348042.3); c.-189-6400A>G (NM_001348045.3); c.-39+16260A>G (NM_001348046.3, NM_001348044.3); c.49A>G (NM_198428.2); short protein forms K17E.
Identifiers: ClinVar variation 1021482 (VCV001021482.10), dbSNP rs1329996453, ClinGen allele CA367189270.
Genomic context (GRCh38, chr7:33,146,301, plus strand): 5'-GTGTGAAAGAAAATGTCTTTATTTAAAGCCCGTGATTGGTGGTCTACTATTCTGGGAGAT[A>G]AAGAAGAATTTGATCAAGGCTGTTTGTGTCTGGCTAATGTTGACAATAGTGGAAATGGAC-3'
Protein context (NP_940820.1, residues 7-27): RDWWSTILGD[Lys17Glu]EEFDQGCLCL